The following is an entry in ClinVar:

ClinVar aggregate classification (germline): Uncertain significance (1 of 4 stars; one submission).

Submission:

Labcorp Genetics (formerly Invitae), Labcorp
Classification: Uncertain significance. Last evaluated: 2024-08-07. Review status: criteria provided, single submitter. Criteria: Invitae Variant Classification Sherloc (09022015). Collection method: clinical testing. Allele origin: germline.
Comment: This sequence change replaces asparagine, which is neutral and polar, with serine, which is neutral and polar, at codon 395 of the LYN protein (p.Asn395Ser). This variant is not present in population databases (gnomAD no frequency). This variant has not been reported in the literature in individuals affected with LYN-related conditions. An algorithm developed to predict the effect of missense changes on protein structure and function (PolyPhen-2) suggests that this variant is likely to be tolerated. In summary, the available evidence is currently insufficient to determine the role of this variant in disease. Therefore, it has been classified as a Variant of Uncertain Significance.

NM_002350.4(LYN):c.1184A>G (p.Asn395Ser)

Gene: LYN (LYN proto-oncogene, Src family tyrosine kinase; plus strand). Cytogenetic location: 8q12.1.
Variant type: single nucleotide variant.
Coding change: c.1184A>G on transcript NM_002350.4 (MANE Select); coding-DNA position 1184, A replaced by G.
Protein change: p.Asn395Ser; replaces asparagine 395 with serine.
Molecular consequence: missense variant.
Genome position (GRCh38, 1-based): chr8:55,998,479, A>G. VCF-style: chr8-55998479-A-G. GRCh37 (hg19) VCF-style: chr8-56911038-A-G.
Other names: c.1121A>G, p.Asn374Ser (NM_001111097.3); short protein forms N374S, N395S.
Identifiers: ClinVar variation 3661586 (VCV003661586.2).